The following is an entry in ClinVar:

ClinVar aggregate classification (germline): Benign/Likely benign. Review status: criteria provided, multiple submitters, no conflicts (2 of 4 stars). 3 submissions from 3 submitters: Benign (1); Likely benign (2). Last evaluated 2025-07-28.

Conditions:
Inborn genetic diseases. Identifiers: MedGen C0950123, MeSH D030342.
RAI1-related disorder. Also called: RAI1-related condition.

Allele frequency attached by ClinVar (database versions not stated): gnomAD 0.00001 and 0.00002; TOPMed 0.00002; gnomAD exomes 0.00004; ExAC 0.00009; 1000 Genomes Project 30x 0.00016; 1000 Genomes Project 0.00020.
gnomAD v4.1: 28 of 1,610,144 alleles (0.0017%); highest among the groups gnomAD compares: African/African-American, 0.013%; no homozygotes.

Submissions (3):

PreventionGenetics, part of Exact Sciences
Classification: Likely benign for RAI1-related condition. Last evaluated: 2025-07-28. Review status: criteria provided, single submitter. Criteria: ACMG Guidelines, 2015. Collection method: clinical testing. Allele origin: germline.
Comment: This variant is classified as likely benign based on ACMG/AMP sequence variant interpretation guidelines (Richards et al. 2015 PMID: 25741868, with internal and published modifications).

Labcorp Genetics (formerly Invitae), Labcorp
Classification: Benign. Last evaluated: 2024-10-23. Review status: criteria provided, single submitter. Criteria: Invitae Variant Classification Sherloc (09022015). Collection method: clinical testing. Allele origin: germline.

Ambry Genetics
Classification: Likely benign for Inborn genetic diseases. Last evaluated: 2024-04-04. Review status: criteria provided, single submitter. Criteria: Ambry Variant Classification Scheme 2023. Collection method: clinical testing. Allele origin: germline.

NM_030665.4(RAI1):c.5446G>A (p.Gly1816Ser)

Gene: RAI1 (retinoic acid induced 1; plus strand). Cytogenetic location: 17p11.2.
Variant type: single nucleotide variant.
Coding change: c.5446G>A on transcript NM_030665.4 (MANE Select); coding-DNA position 5446, G replaced by A.
Protein change: p.Gly1816Ser; replaces glycine 1816 with serine.
Molecular consequence: missense variant.
Genome position (GRCh38, 1-based): chr17:17,798,394, G>A. VCF-style: chr17-17798394-G-A. GRCh37 (hg19) VCF-style: chr17-17701708-G-A.
Other names: c.5446G>A (NM_030665.3); short protein forms G1816S.
Identifiers: ClinVar variation 1432071 (VCV001432071.8), dbSNP rs528236558, ClinGen allele CA8419161.